The following is an entry in ClinVar:

NM_014008.5(CCDC22):c.1458A>C (p.Arg486Ser)

Gene: CCDC22 (CCC complex scaffolding subunit CCDC22; plus strand). Cytogenetic location: Xp11.23.
Variant type: single nucleotide variant.
Coding change: c.1458A>C on transcript NM_014008.5 (MANE Select); coding-DNA position 1458, A replaced by C.
Protein change: p.Arg486Ser; replaces arginine 486 with serine.
Molecular consequence: missense variant.
Genome position (GRCh38, 1-based): chrX:49,248,843, A>C. VCF-style: chrX-49248843-A-C. GRCh37 (hg19) VCF-style: chrX-49105304-A-C.
Other names: short protein forms R486S.
Identifiers: ClinVar variation 4746671 (VCV004746671.1).

ClinVar aggregate classification (germline): Uncertain significance (1 of 4 stars; one submission).

Submission:

Labcorp Genetics (formerly Invitae), Labcorp
Classification: Uncertain significance. Last evaluated: 2025-01-27. Review status: criteria provided, single submitter. Criteria: Invitae Variant Classification Sherloc (09022015). Collection method: clinical testing. Allele origin: germline.
Comment: This sequence change replaces arginine, which is basic and polar, with serine, which is neutral and polar, at codon 486 of the CCDC22 protein (p.Arg486Ser). This variant is not present in population databases (gnomAD no frequency). This variant has not been reported in the literature in individuals affected with CCDC22-related conditions. Invitae Evidence Modeling of protein sequence and biophysical properties (such as structural, functional, and spatial information, amino acid conservation, physicochemical variation, residue mobility, and thermodynamic stability) indicates that this missense variant is not expected to disrupt CCDC22 protein function with a negative predictive value of 80%. In summary, the available evidence is currently insufficient to determine the role of this variant in disease. Therefore, it has been classified as a Variant of Uncertain Significance.